The following is an entry in ClinVar:

ClinVar aggregate classification (germline): Conflicting classifications of pathogenicity. Review status: criteria provided, conflicting classifications (1 of 4 stars). 3 submissions from 3 submitters: Uncertain significance (2); Likely benign (1). Last evaluated 2023-07-01.

Conditions:
Familial hypokalemia-hypomagnesemia (GTLMNS). Also called: HYPOMAGNESEMIA-HYPOKALEMIA, PRIMARY RENOTUBULAR, WITH HYPOCALCIURIA; POTASSIUM AND MAGNESIUM DEPLETION; gitelman syndrome. Identifiers: Orphanet 358, MedGen C0268450, MONDO:0009904, OMIM 263800.

Allele frequency attached by ClinVar (database versions not stated): 1000 Genomes Project 0.00120; 1000 Genomes Project 30x 0.00125; TOPMed 0.00267; gnomAD 0.00271.

Submissions (3):

CeGaT Center for Human Genetics Tuebingen
Classification: Likely benign. Last evaluated: 2023-07-01. Review status: criteria provided, single submitter. Criteria: CeGaT Center For Human Genetics Tuebingen Variant Classification Criteria Version 2. Collection method: clinical testing. Allele origin: germline. Affected: yes. Observed: 2 variant alleles.
Comment: SLC12A3: BS2

Illumina Laboratory Services, Illumina
Classification: Uncertain significance for Familial hypokalemia-hypomagnesemia. Last evaluated: 2018-01-13. Review status: criteria provided, single submitter. Criteria: ICSL Variant Classification Criteria 13 December 2019. Collection method: clinical testing. Allele origin: germline.

Breakthrough Genomics
Classification: Uncertain significance. Review status: criteria provided, single submitter. Criteria: ACMG Guidelines, 2015. Collection method: not provided. Allele origin: germline. Inheritance: Autosomal recessive inheritance. Affected: yes.

NM_001126108.2(SLC12A3):c.*576C>G

Gene: SLC12A3 (solute carrier family 12 member 3; plus strand). Cytogenetic location: 16q13.
Variant type: single nucleotide variant.
Coding change: c.*576C>G on transcript NM_001126108.2 (MANE Select); 576 bases downstream of the stop codon, C replaced by G.
Molecular consequence: 3 prime UTR variant.
Genome position (GRCh38, 1-based): chr16:56,913,981, C>G. VCF-style: chr16-56913981-C-G. GRCh37 (hg19) VCF-style: chr16-56947893-C-G.
Other names: c.*576C>G (NM_000339.3, NM_001126107.2).
Identifiers: ClinVar variation 319937 (VCV000319937.30), dbSNP rs139828223, ClinGen allele CA10647828.
Genomic context (GRCh38, chr16:56,913,981, plus strand): 5'-TTTTTTTTTAGATGAAGTTTTTTCTCTTGTTGCCCAGGCTAGGGTGTAATGGCATGATCT[C>G]AGGTCACTGCAACCTCCTCCCGGGTTCAAGCATTTCTTCTGTCTCAGCCTCCCGAATAGC-3'